The following is an entry in ClinVar:

NM_000211.5(ITGB2):c.1628G>A (p.Arg543His)

Gene: ITGB2 (integrin subunit beta 2; minus strand). Cytogenetic location: 21q22.3.
Variant type: single nucleotide variant.
Coding change: c.1628G>A on transcript NM_000211.5 (MANE Select); coding-DNA position 1628, G replaced by A.
Protein change: p.Arg543His; replaces arginine 543 with histidine.
Molecular consequence: missense variant.
Genome position (GRCh38, 1-based): chr21:44,890,007, C>T on the plus strand (G>A on the coding strand, the complement: ITGB2 is on the minus strand). VCF-style: chr21-44890007-C-T. GRCh37 (hg19) VCF-style: chr21-46309922-C-T.
Other names: c.1628G>A, p.Arg543His (NM_001127491.3); c.1421G>A, p.Arg474His (NM_001303238.2); short protein forms R474H, R543H.
Identifiers: ClinVar variation 1953974 (VCV001953974.2), dbSNP rs2517081667, ClinGen allele CA410484310.

ClinVar aggregate classification (germline): Uncertain significance (1 of 4 stars; one submission).

Conditions:
Leukocyte adhesion deficiency 1 (LAD1). Also called: LEUKOCYTE ADHESION DEFICIENCY, TYPE I; LAD 1; Lymphocyte function-associated antigen 1 immunodeficiency; LFA 1 immunodeficiency. Identifiers: Orphanet 2968, Orphanet 99842, MedGen C0398738, MONDO:0007293, OMIM 116920.

Allele frequency attached by ClinVar (database versions not stated): gnomAD exomes below 0.00001.
gnomAD v4.1: 3 of 1,613,396 alleles (0.00019%); highest among the groups gnomAD compares: Non-Finnish European, 0.00025%; no homozygotes.

Submission:

Labcorp Genetics (formerly Invitae), Labcorp
Classification: Uncertain significance for Leukocyte adhesion deficiency 1. Last evaluated: 2022-02-06. Review status: criteria provided, single submitter. Criteria: Invitae Variant Classification Sherloc (09022015). Collection method: clinical testing. Allele origin: germline.
Comment: This sequence change replaces arginine, which is basic and polar, with histidine, which is basic and polar, at codon 543 of the ITGB2 protein (p.Arg543His). This variant is not present in population databases (gnomAD no frequency). This variant has not been reported in the literature in individuals affected with ITGB2-related conditions. Algorithms developed to predict the effect of missense changes on protein structure and function (SIFT, PolyPhen-2, Align-GVGD) all suggest that this variant is likely to be disruptive. In summary, the available evidence is currently insufficient to determine the role of this variant in disease. Therefore, it has been classified as a Variant of Uncertain Significance.